The following is an entry in ClinVar:

NM_006019.4(TCIRG1):c.118-6C>T

Gene: TCIRG1 (T cell immune regulator 1, ATPase H+ transporting V0 subunit a3; plus strand). Cytogenetic location: 11q13.2.
Variant type: single nucleotide variant.
Coding change: c.118-6C>T on transcript NM_006019.4 (MANE Select); 6 bases into the intron before coding-DNA position 118, C replaced by T.
Molecular consequence: intron variant.
Genome position (GRCh38, 1-based): chr11:68,041,747, C>T. VCF-style: chr11-68041747-C-T. GRCh37 (hg19) VCF-style: chr11-67809214-C-T.
Other names: c.-1132-6C>T (NM_001351059.2).
Identifiers: ClinVar variation 739903 (VCV000739903.18), dbSNP rs375317575, ClinGen allele CA6146660.

ClinVar aggregate classification (germline): Conflicting classifications of pathogenicity. Review status: criteria provided, conflicting classifications (1 of 4 stars). 5 submissions from 5 submitters: Uncertain significance (1); Likely benign (2). 2 of the submissions do not count toward it. Last evaluated 2026-01-13.

Conditions:
Autosomal recessive osteopetrosis 1. Also called: ALBERS-SCHONBERG DISEASE, AUTOSOMAL RECESSIVE; TCIRG1-Related Autosomal Recessive Osteopetrosis; TCIRG1-Related Osteopetrosis. Identifiers: Orphanet 667, MedGen C1850127, MONDO:0009815, OMIM 259700.
TCIRG1-related disorder. Also called: TCIRG1-related condition.

Allele frequency attached by ClinVar (database versions not stated): gnomAD exomes 0.00012 and 0.00015; gnomAD 0.00013 and 0.00014; TOPMed 0.00014; ExAC 0.00024; ESP Exome Variant Server 0.00039.
gnomAD v4.1: 230 of 1,606,782 alleles (0.014%); highest among the groups gnomAD compares: Non-Finnish European, 0.019%; 1 homozygote.

Submissions (5):

Labcorp Genetics (formerly Invitae), Labcorp
Classification: Likely benign. Last evaluated: 2026-01-13. Review status: criteria provided, single submitter. Criteria: Invitae Variant Classification Sherloc (09022015). Collection method: clinical testing. Allele origin: germline.

Blueprint Genetics
Classification: Likely benign. Last evaluated: 2024-11-11. Review status: criteria provided, single submitter. Criteria: ACMG Guidelines, 2015. Collection method: clinical testing. Allele origin: germline.

Illumina Laboratory Services, Illumina
Classification: Uncertain significance for Autosomal recessive osteopetrosis 1. Last evaluated: 2018-01-12. Review status: criteria provided, single submitter. Criteria: ICSL Variant Classification Criteria 13 December 2019. Collection method: clinical testing. Allele origin: germline.

PreventionGenetics, part of Exact Sciences
Classification: Likely benign for TCIRG1-related condition. Last evaluated: 2024-01-08. Review status: no assertion criteria provided. Collection method: clinical testing. Allele origin: germline. Not counted in ClinVar's aggregate classification.
Comment: This variant is classified as likely benign based on ACMG/AMP sequence variant interpretation guidelines (Richards et al. 2015 PMID: 25741868, with internal and published modifications).

Natera, Inc.
Classification: Uncertain significance for Infantile malignant osteopetrosis. Last evaluated: 2020-04-15. Review status: no assertion criteria provided. Collection method: clinical testing. Allele origin: germline. Not counted in ClinVar's aggregate classification.